The following is an entry in ClinVar:

ClinVar aggregate classification (germline): Uncertain significance (1 of 4 stars; one submission).

Allele frequency attached by ClinVar (database versions not stated): TOPMed 0.00002.
gnomAD v4.1: 8 of 1,508,750 alleles (0.00053%); highest among the groups gnomAD compares: Non-Finnish European, 0.00053%; no homozygotes.

Submission:

Labcorp Genetics (formerly Invitae), Labcorp
Classification: Uncertain significance. Last evaluated: 2022-05-30. Review status: criteria provided, single submitter. Criteria: Invitae Variant Classification Sherloc (09022015). Collection method: clinical testing. Allele origin: germline.
Comment: This sequence change replaces glycine, which is neutral and non-polar, with alanine, which is neutral and non-polar, at codon 203 of the DLL3 protein (p.Gly203Ala). This variant is not present in population databases (gnomAD no frequency). This variant has not been reported in the literature in individuals affected with DLL3-related conditions. Algorithms developed to predict the effect of missense changes on protein structure and function (SIFT, PolyPhen-2, Align-GVGD) all suggest that this variant is likely to be tolerated. In summary, the available evidence is currently insufficient to determine the role of this variant in disease. Therefore, it has been classified as a Variant of Uncertain Significance.

NM_203486.3(DLL3):c.608G>C (p.Gly203Ala)

Genes: DLL3 (delta like canonical Notch ligand 3; plus strand), LOC130064417 (ATAC-STARR-seq lymphoblastoid silent region 10608; plus strand). Cytogenetic location: 19q13.2.
Variant type: single nucleotide variant.
Coding change: c.608G>C on transcript NM_203486.3 (MANE Select); coding-DNA position 608, G replaced by C.
Protein change: p.Gly203Ala; replaces glycine 203 with alanine.
Molecular consequence: missense variant.
Genome position (GRCh38, 1-based): chr19:39,503,013, G>C. VCF-style: chr19-39503013-G-C. GRCh37 (hg19) VCF-style: chr19-39993653-G-C.
Other names: c.608G>C, p.Gly203Ala (NM_016941.4); short protein forms G203A.
Identifiers: ClinVar variation 2064151 (VCV002064151.1), dbSNP rs1234613942, ClinGen allele CA405796140.